The following is an entry in ClinVar:

NM_019066.5(MAGEL2):c.2847_2918del (p.Ile954_Arg977del)

Gene: MAGEL2 (MAGE family member L2; minus strand). Cytogenetic location: 15q11.2.
Variant type: Deletion.
Coding change: c.2847_2918del on transcript NM_019066.5 (MANE Select); coding-DNA positions 2847 to 2918, 72 bases deleted.
Protein change: p.Ile954_Arg977del.
Molecular consequence: inframe deletion.
Genome position (GRCh38, 1-based): chr15:23,644,825-23,644,896, 72 bases deleted. GRCh37 (hg19): chr15:23,889,983-23,890,054.
Identifiers: ClinVar variation 4998479 (VCV004998479.1).

ClinVar aggregate classification (germline): Uncertain significance (1 of 4 stars; one submission).

Conditions:
MAGEL2-related disorder. Also called: MAGEL2-related condition.

Submission:

PreventionGenetics, part of Exact Sciences
Classification: Uncertain significance for MAGEL2-related condition. Last evaluated: 2025-02-25. Review status: criteria provided, single submitter. Criteria: ACMG Guidelines, 2015. Collection method: clinical testing. Allele origin: germline.
Comment: The MAGEL2 c.2847_2918del72 variant is predicted to result in an in-frame deletion (p.Ile954_Arg977del). To our knowledge, this variant has not been reported in the literature. This variant is reported in 0.00079% of alleles in individuals of European (Non-Finnish) descent in gnomAD. At this time, the clinical significance of this variant is uncertain due to the absence of conclusive functional and genetic evidence.